The following is an entry in ClinVar:

ClinVar aggregate classification (germline): Likely benign (0 of 4 stars; one submission).

Conditions:
UBA7-related disorder. Also called: UBA7-related condition.

Allele frequency attached by ClinVar (database versions not stated): 1000 Genomes Project 0.00120; 1000 Genomes Project 30x 0.00141; ExAC 0.00193; gnomAD 0.00210; TOPMed 0.00216; ESP Exome Variant Server 0.00346; gnomAD exomes 0.00389.

Submission:

PreventionGenetics, part of Exact Sciences
Classification: Likely benign for UBA7-related condition. Last evaluated: 2019-10-03. Review status: no assertion criteria provided. Collection method: clinical testing. Allele origin: germline.
Comment: This variant is classified as likely benign based on ACMG/AMP sequence variant interpretation guidelines (Richards et al. 2015 PMID: 25741868, with internal and published modifications).

NM_003335.3(UBA7):c.1525G>A (p.Val509Met)

Gene: UBA7 (ubiquitin like modifier activating enzyme 7; minus strand). Cytogenetic location: 3p21.31.
Variant type: single nucleotide variant.
Coding change: c.1525G>A on transcript NM_003335.3 (MANE Select); coding-DNA position 1525, G replaced by A.
Protein change: p.Val509Met; replaces valine 509 with methionine.
Molecular consequence: missense variant.
Genome position (GRCh38, 1-based): chr3:49,810,371, C>T on the plus strand (G>A on the coding strand, the complement: UBA7 is on the minus strand). VCF-style: chr3-49810371-C-T. GRCh37 (hg19) VCF-style: chr3-49847804-C-T.
Other names: short protein forms V509M.
Identifiers: ClinVar variation 3042162 (VCV003042162.2), dbSNP rs115185290, ClinGen allele CA2407027.
Genomic context (GRCh38, chr3:49,810,371, plus strand): 5'-AAAAGTTATCCCCATAGATGTGCTCTGTGGTGGGATCCAGTGGGTAGGTGAGCGGGATCA[C>T]CTGTAAGTCTGGGTTCAGGCCCCGGGCAGCTGCTGCAGCCACCTCTGCCTTGGGTCTCTG-3'
Protein context (NP_003326.2, residues 499-519): AARGLNPDLQ[Val509Met]IPLTYPLDPT